The following is an entry in ClinVar:

ClinVar aggregate classification (germline): Uncertain significance. Review status: criteria provided, multiple submitters, no conflicts (2 of 4 stars). 5 submissions from 5 submitters: Uncertain significance (4). 1 of the submissions does not count toward it. Last evaluated 2024-05-23.

Conditions:
Retinal dystrophy. Also called: Inherited retinal dystrophy. Identifiers: Orphanet 71862, MedGen C0854723, MeSH D058499, MONDO:0019118, HP:0000556.
Inborn genetic diseases. Identifiers: MedGen C0950123, MeSH D030342.

Allele frequency attached by ClinVar (database versions not stated): gnomAD exomes 0.00001 and 0.00002; ExAC 0.00003; gnomAD 0.00013 and 0.00014; TOPMed 0.00014; ESP Exome Variant Server 0.00015.
gnomAD v4.1: 33 of 1,614,130 alleles (0.002%); highest among the groups gnomAD compares: African/African-American, 0.04%; no homozygotes.

Submissions (5):

Blueprint Genetics
Classification: Uncertain significance. Last evaluated: 2024-05-23. Review status: criteria provided, single submitter. Criteria: ACMG Guidelines, 2015. Collection method: clinical testing. Allele origin: germline.

Labcorp Genetics (formerly Invitae), Labcorp
Classification: Uncertain significance. Last evaluated: 2022-09-19. Review status: criteria provided, single submitter. Criteria: Invitae Variant Classification Sherloc (09022015). Collection method: clinical testing. Allele origin: germline.
Comment: This sequence change replaces proline, which is neutral and non-polar, with leucine, which is neutral and non-polar, at codon 482 of the CDHR1 protein (p.Pro482Leu). This variant is present in population databases (rs375576650, gnomAD 0.03%). This variant has not been reported in the literature in individuals affected with CDHR1-related conditions. ClinVar contains an entry for this variant (Variation ID: 811056). Advanced modeling of protein sequence and biophysical properties (such as structural, functional, and spatial information, amino acid conservation, physicochemical variation, residue mobility, and thermodynamic stability) performed at Invitae indicates that this missense variant is not expected to disrupt CDHR1 protein function. In summary, the available evidence is currently insufficient to determine the role of this variant in disease. Therefore, it has been classified as a Variant of Uncertain Significance.

Ambry Genetics
Classification: Uncertain significance for Inborn genetic diseases. Last evaluated: 2021-09-16. Review status: criteria provided, single submitter. Criteria: Ambry Variant Classification Scheme 2023. Collection method: clinical testing. Allele origin: germline.

ARUP Laboratories, Molecular Genetics and Genomics, ARUP Laboratories
Classification: Uncertain significance. Last evaluated: 2018-07-05. Review status: criteria provided, single submitter. Criteria: ARUP Molecular Germline Variant Investigation Process. Collection method: clinical testing. Allele origin: germline.
Comment: The CDHR1 c.1445C>T; p.Pro482Leu variant (rs375576650), to our knowledge, is not reported in the medical literature or gene-specific databases. The variant is found in the African population with an overall allele frequency of 0.03% (5/15304 alleles) in the Genome Aggregation Database. The proline at codon 482 is highly conserved but computational analyses (SIFT: Tolerated, PolyPhen-2: Probably Damaging) predict conflicting effects of this variant on protein structure/function. Considering available evidence, the clinical significance of this variant cannot be determined. Pathogenic CDHR1 variants are causative for autosomal recessive cone-rod dystrophy (MIM: 613660) or retinitis pigmentosa (MIM: 613660).

Institute of Human Genetics, Univ. Regensburg, Univ. Regensburg
Classification: Uncertain significance for Retinal dystrophy. Last evaluated: 2023-01-01. Review status: no assertion criteria provided. Criteria: ACMG Guidelines, 2015. Collection method: clinical testing. Allele origin: germline. Affected: yes. Not counted in ClinVar's aggregate classification.

NM_033100.4(CDHR1):c.1445C>T (p.Pro482Leu)

Gene: CDHR1 (cadherin related family member 1; plus strand). Cytogenetic location: 10q23.1.
Variant type: single nucleotide variant.
Coding change: c.1445C>T on transcript NM_033100.4 (MANE Select); coding-DNA position 1445, C replaced by T.
Protein change: p.Pro482Leu; replaces proline 482 with leucine.
Molecular consequence: missense variant.
Genome position (GRCh38, 1-based): chr10:84,211,125, C>T. VCF-style: chr10-84211125-C-T. GRCh37 (hg19) VCF-style: chr10-85970881-C-T.
Other names: c.1445C>T (NM_033100.2); c.1445C>T, p.Pro482Leu (NM_001171971.3); short protein forms P482L.
Identifiers: ClinVar variation 811056 (VCV000811056.14), dbSNP rs375576650, ClinGen allele CA5579937.